The following is an entry in ClinVar:

ClinVar aggregate classification (germline): Likely benign (1 of 4 stars; one submission).

gnomAD v4.1: 233 of 398,508 alleles (0.058%); highest among the groups gnomAD compares: African/African-American, 0.4%; no homozygotes.

Submission:

CeGaT Center for Human Genetics Tuebingen
Classification: Likely benign. Last evaluated: 2025-11-01. Review status: criteria provided, single submitter. Criteria: CeGaT Center For Human Genetics Tuebingen Variant Classification Criteria Version 2. Collection method: clinical testing. Allele origin: germline. Affected: yes. Observed: 1 variant allele.
Comment: NFIB: BP4, BP7

NM_001190737.2(NFIB):c.562+6793G>A

Gene: NFIB (nuclear factor I B; minus strand). Cytogenetic location: 9p22.3.
Variant type: single nucleotide variant.
Coding change: c.562+6793G>A on transcript NM_001190737.2 (MANE Select); 6793 bases into the intron after coding-DNA position 562, G replaced by A.
Molecular consequence: intron variant. On other transcripts: synonymous variant (2).
Genome position (GRCh38, 1-based): chr9:14,300,196, C>T on the plus strand (G>A on the coding strand, the complement: NFIB is on the minus strand). VCF-style: chr9-14300196-C-T. GRCh37 (hg19) VCF-style: chr9-14300195-C-T.
Other names: c.15G>A, p.Leu5= (NM_001369479.1, NM_001369480.1); c.562+6793G>A (NM_005596.3, NM_001369477.1, NM_001369471.1 and 3 more transcripts); c.628+6793G>A (NM_001369468.1, NM_001369462.1, NM_001369459.1 and 1 more transcripts); c.640+6793G>A (NM_001190738.2); c.325+7018G>A (NM_001369478.1, NM_001369470.1); c.550+6793G>A (NM_001369473.1, NM_001369472.1, NM_001369466.1 and 2 more transcripts); c.418+6793G>A (NM_001369469.1); c.337+7018G>A (NM_001369475.1); and 2 more.
Identifiers: ClinVar variation 4534200 (VCV004534200.6).